The following is an entry in ClinVar:

NM_000329.3(RPE65):c.-7G>A

Gene: RPE65 (retinoid isomerohydrolase RPE65; minus strand). Cytogenetic location: 1p31.3.
Variant type: single nucleotide variant.
Coding change: c.-7G>A on transcript NM_000329.3 (MANE Select); 7 bases upstream of the start codon, G replaced by A.
Molecular consequence: 5 prime UTR variant.
Genome position (GRCh38, 1-based): chr1:68,449,912, C>T on the plus strand (G>A on the coding strand, the complement: RPE65 is on the minus strand). VCF-style: chr1-68449912-C-T. GRCh37 (hg19) VCF-style: chr1-68915595-C-T.
Other names: c.-7G>A (NM_001406853.1, NM_001406859.1, NM_001406860.1); c.-132G>A (NM_001406856.1); c.-200G>A (NM_001406857.1).
Identifiers: ClinVar variation 4986516 (VCV004986516.1).

ClinVar aggregate classification (germline): Likely benign (1 of 4 stars; one submission).

Conditions:
RPE65-related disorder. Also called: RPE65-related disorders; RPE65-related condition. Identifiers: MedGen CN239301.

gnomAD v4.1: 15 of 1,614,022 alleles (0.00093%); highest among the groups gnomAD compares: Admixed American, 0.013%; no homozygotes.

Submission:

PreventionGenetics, part of Exact Sciences
Classification: Likely benign for RPE65-related condition. Last evaluated: 2025-01-15. Review status: criteria provided, single submitter. Criteria: ACMG Guidelines, 2015. Collection method: clinical testing. Allele origin: germline.
Comment: This variant is classified as likely benign based on ACMG/AMP sequence variant interpretation guidelines (Richards et al. 2015 PMID: 25741868, with internal and published modifications).